The following is an entry in ClinVar:

NM_004715.5(CTDP1):c.2274G>A (p.Pro758=)

Gene: CTDP1 (CTD phosphatase 1; plus strand). Cytogenetic location: 18q23.
Variant type: single nucleotide variant.
Coding change: c.2274G>A on transcript NM_004715.5 (MANE Select); coding-DNA position 2274, G replaced by A.
Protein change: p.Pro758=; no amino-acid change (proline 758 retained).
Molecular consequence: synonymous variant.
Genome position (GRCh38, 1-based): chr18:79,717,873, G>A. VCF-style: chr18-79717873-G-A. GRCh37 (hg19) VCF-style: chr18-77477873-G-A.
Other names: p.Pro758=; c.1917G>A, p.Pro639= (NM_001202504.1); c.2274G>A, p.Pro758= (NM_001318511.2, NM_048368.4).
Identifiers: ClinVar variation 210803 (VCV000210803.55), dbSNP rs140627086, ClinGen allele CA208469.
Genomic context (GRCh38, chr18:79,717,873, plus strand): 5'-GAACAGCCCTGCGGCCTTTCCCGACCGGGAGGGTGTGCCCCCCACCGCCTTGTTCCACCC[G>A]ATGCCGGTTCTTCCCAAGGCCCAGCCTGGCCCCGAGGTTCGGATCTACGACTCCAACACG-3'
Protein context (NP_004706.3, residues 748-768): EGVPPTALFH[Pro758=]MPVLPKAQPG

ClinVar aggregate classification (germline): Benign/Likely benign. Review status: criteria provided, multiple submitters, no conflicts (2 of 4 stars). 10 submissions from 10 submitters: Benign (1); Likely benign (6). 3 of the submissions do not count toward it. Last evaluated 2026-08-01.

Allele frequency attached by ClinVar (database versions not stated): 1000 Genomes Project 30x 0.00156; 1000 Genomes Project 0.00180; gnomAD 0.00288 and 0.00289; TOPMed 0.00314; ExAC 0.00335; ESP Exome Variant Server 0.00369.
gnomAD v4.1: 8,205 of 1,613,568 alleles (0.51%); highest among the groups gnomAD compares: Non-Finnish European, 0.61%; 27 homozygotes.

Submissions (10):

CeGaT Center for Human Genetics Tuebingen
Classification: Likely benign. Last evaluated: 2026-08-01. Review status: criteria provided, single submitter. Criteria: CeGaT Center For Human Genetics Tuebingen Variant Classification Criteria Version 2. Collection method: clinical testing. Allele origin: germline. Affected: yes. Observed: 19 variant alleles.
Comment: CTDP1: BP4, BP7, BS2

Labcorp Genetics (formerly Invitae), Labcorp
Classification: Benign. Last evaluated: 2026-02-01. Review status: criteria provided, single submitter. Criteria: Invitae Variant Classification Sherloc (09022015). Collection method: clinical testing. Allele origin: germline.

Mayo Clinic Laboratories, Mayo Clinic
Classification: Likely benign. Last evaluated: 2025-05-20. Review status: criteria provided, single submitter. Criteria: ACMG Guidelines, 2015. Collection method: clinical testing. Allele origin: germline. Observed: 26 variant alleles.
Comment: BS2, BP4, BP7

Blueprint Genetics
Classification: Likely benign. Last evaluated: 2024-11-27. Review status: criteria provided, single submitter. Criteria: ACMG Guidelines, 2015. Collection method: clinical testing. Allele origin: germline.

Genetic Services Laboratory, University of Chicago
Classification: Likely benign. Last evaluated: 2016-04-12. Review status: criteria provided, single submitter. Criteria: ACMG Guidelines, 2015. Collection method: clinical testing. Allele origin: germline. Affected: no.

Eurofins Ntd Llc (ga)
Classification: Likely benign. Last evaluated: 2015-06-17. Review status: criteria provided, single submitter. Criteria: EGL Classification Definitions 2015. Collection method: clinical testing. Allele origin: germline. Observed: 1 variant allele, 1 heterozygote.

Breakthrough Genomics
Classification: Likely benign. Review status: criteria provided, single submitter. Criteria: ACMG Guidelines, 2015. Collection method: not provided. Allele origin: germline. Inheritance: Autosomal recessive inheritance. Affected: yes.

Clinical Genetics DNA and cytogenetics Diagnostics Lab, Erasmus MC, Erasmus Medical Center
Classification: Likely benign. Review status: no assertion criteria provided. Collection method: clinical testing. Allele origin: germline. Affected: yes. Study: VKGL Data-share Consensus. Not counted in ClinVar's aggregate classification.

Clinical Genetics, Academic Medical Center
Classification: Benign. Review status: no assertion criteria provided. Collection method: clinical testing. Allele origin: germline. Affected: yes. Study: VKGL Data-share Consensus. Not counted in ClinVar's aggregate classification.

Genome Diagnostics Laboratory, University Medical Center Utrecht
Classification: Benign. Review status: no assertion criteria provided. Collection method: clinical testing. Allele origin: germline. Affected: yes. Study: VKGL Data-share Consensus. Not counted in ClinVar's aggregate classification.